The following is an entry in ClinVar:

ClinVar aggregate classification (germline): Benign (1 of 4 stars; one submission).

Conditions:
Juvenile polyposis syndrome (JPS). Identifiers: Orphanet 2929, MedGen C0345893, MONDO:0017380, OMIM 174900.

Submission:

Myriad Genetics, Inc.
Classification: Benign for Juvenile polyposis syndrome. Last evaluated: 2024-08-05. Review status: criteria provided, single submitter. Criteria: Myriad Autosomal Dominant, Autosomal Recessive and X-Linked Classification Criteria (2023). Collection method: clinical testing. Allele origin: unknown.
Comment: This variant is considered benign. This variant is a silent/synonymous amino acid change and it is not expected to impact splicing.

NM_004329.3(BMPR1A):c.912G>A (p.Gln304=)

Gene: BMPR1A (bone morphogenetic protein receptor type 1A; plus strand). Cytogenetic location: 10q23.2.
Variant type: single nucleotide variant.
Coding change: c.912G>A on transcript NM_004329.3 (MANE Select); coding-DNA position 912, G replaced by A.
Protein change: p.Gln304=; no amino-acid change (glutamine 304 retained).
Molecular consequence: synonymous variant. On other transcripts: non-coding transcript variant (3).
Genome position (GRCh38, 1-based): chr10:86,919,215, G>A. VCF-style: chr10-86919215-G-A. GRCh37 (hg19) VCF-style: chr10-88678972-G-A.
Other names: c.912G>A, p.Gln304= (NM_001406561.1, NM_001406562.1, NM_001406563.1 and 19 more transcripts); c.906G>A, p.Gln302= (NM_001406583.1); c.828G>A, p.Gln276= (NM_001406584.1, NM_001406585.1, NM_001406586.1 and 2 more transcripts); c.570G>A, p.Gln190= (NM_001406589.1); c.987G>A, p.Gln329= (NM_001406559.1); c.960G>A, p.Gln320= (NM_001406560.1).
Identifiers: ClinVar variation 3379295 (VCV003379295.1).
Genomic context (GRCh38, chr10:86,919,215, plus strand): 5'-ACTCATCAACTGGACAGGTTTCATAGCGGCAGACATTAAAGGTACAGGTTCCTGGACTCA[G>A]CTCTATTTGATTACTGATTACCATGAAAATGGATCTCTCTATGACTTCCTGAAATGTGCT-3'
Protein context (NP_004320.2, residues 294-314): ADIKGTGSWT[Gln304=]LYLITDYHEN